The following is an entry in ClinVar:

NM_007294.4(BRCA1):c.465A>C (p.Gln155His)

Gene: BRCA1 (BRCA1 DNA repair associated; minus strand). Cytogenetic location: 17q21.31.
Variant type: single nucleotide variant.
Coding change: c.465A>C on transcript NM_007294.4 (MANE Select); coding-DNA position 465, A replaced by C.
Protein change: p.Gln155His; replaces glutamine 155 with histidine.
Molecular consequence: missense variant. On other transcripts: non-coding transcript variant (1).
Genome position (GRCh38, 1-based): chr17:43,099,857, T>G on the plus strand (A>C on the coding strand, the complement: BRCA1 is on the minus strand). VCF-style: chr17-43099857-T-G. GRCh37 (hg19) VCF-style: chr17-41251874-T-G.
Other names: c.465A>C, p.Gln155His (NM_001407680.1, NM_001407681.1, NM_001407682.1 and 97 more transcripts); c.462A>C, p.Gln154His (NM_001407685.1, NM_001407686.1, NM_001407687.1 and 65 more transcripts); c.324A>C, p.Gln108His (NM_001407692.1, NM_001407694.1, NM_001407695.1 and 61 more transcripts); c.321A>C, p.Gln107His (NM_001407740.1, NM_001407741.1, NM_001407742.1 and 35 more transcripts); c.252A>C, p.Gln84His (NM_001407853.1, NM_001407894.1, NM_001407895.1 and 18 more transcripts); c.387A>C, p.Gln129His (NM_001407862.1, NM_001408409.1, NM_001408411.1 and 12 more transcripts); c.384A>C, p.Gln128His (NM_001407874.1, NM_001407875.1, NM_001408413.1 and 6 more transcripts); c.255A>C, p.Gln85His (NM_001407879.1, NM_001407881.1, NM_001407882.1 and 37 more transcripts); and 4 more; short protein forms Q155H, Q108H, Q107H, Q27H, Q129H, Q154H, Q84H, Q110H.
Identifiers: ClinVar variation 219804 (VCV000219804.24), dbSNP rs864622260, ClinGen allele CA349681.
Genomic context (GRCh38, chr17:43,099,857, plus strand): 5'-CTTTTGAGGTTGTATCCGCTGCTTTGTCCTCAGAGTTCTCACAGTTCCAAGGTTAGAGAG[T>G]TGGACACTGAGACTGGTTTCCTGCTAAACAGTATGGTAAAGAACAGTCAAGCAATTGTTG-3'
Protein context (NP_009225.1, residues 145-165): PSLQETSLSV[Gln155His]LSNLGTVRTL

ClinVar aggregate classification (germline): Uncertain significance. Review status: criteria provided, multiple submitters, no conflicts (2 of 4 stars). 8 submissions from 8 submitters: Uncertain significance (8). Last evaluated 2025-06-27.

Conditions:
Hereditary cancer-predisposing syndrome. Also called: Tumor predisposition; Hereditary Cancer Syndrome; Neoplastic Syndromes, Hereditary; Hereditary neoplastic syndrome. Identifiers: Orphanet 140162, MedGen C0027672, MeSH D009386, MONDO:0015356.
Hereditary breast ovarian cancer syndrome. Also called: Breast and ovarian cancer; Hereditary breast and ovarian cancer; Hereditary breast and ovarian cancer syndrome; Hereditary breast and/or ovarian cancer syndrome; BRCA1- and BRCA2-Associated Hereditary Breast and Ovarian Cancer; Hereditary breast and ovarian cancer syndrome (HBOC). Identifiers: Orphanet 145, MedGen C0677776, MeSH D061325, MONDO:0003582. Disease mechanism: loss of function.
Breast-ovarian cancer, familial, susceptibility to, 1 (BROVCA1). Also called: BRCA1 Hereditary Breast and Ovarian Cancer; OVARIAN CANCER, SUSCEPTIBILITY TO. Identifiers: Orphanet 145, MedGen C2676676, MONDO:0011450, OMIM 604370. Disease mechanism: loss of function.

Allele frequency attached by ClinVar (database versions not stated): gnomAD exomes below 0.00001.
gnomAD v4.1: 1 of 1,613,510 alleles (0.000062%); highest among the groups gnomAD compares: Non-Finnish European, 0.000085%; no homozygotes.

Submissions (8):

Ambry Genetics
Classification: Uncertain significance for Hereditary cancer-predisposing syndrome. Last evaluated: 2025-06-27. Review status: criteria provided, single submitter. Criteria: Ambry Variant Classification Scheme 2023. Collection method: clinical testing. Allele origin: germline.
Comment: The p.Q155H variant (also known as c.465A>C), located in coding exon 6 of the BRCA1 gene, results from an A to C substitution at nucleotide position 465. The glutamine at codon 155 is replaced by histidine, an amino acid with highly similar properties. This amino acid position is not well conserved in available vertebrate species. In addition, the in silico prediction for this alteration is inconclusive. Based on the available evidence, the clinical significance of this variant remains unclear.

Labcorp Genetics (formerly Invitae), Labcorp
Classification: Uncertain significance for Hereditary breast ovarian cancer syndrome. Last evaluated: 2024-04-08. Review status: criteria provided, single submitter. Criteria: Invitae Variant Classification Sherloc (09022015). Collection method: clinical testing. Allele origin: germline.
Comment: This sequence change replaces glutamine, which is neutral and polar, with histidine, which is basic and polar, at codon 155 of the BRCA1 protein (p.Gln155His). This variant is present in population databases (no rsID available, gnomAD 0.0009%). This variant has not been reported in the literature in individuals affected with BRCA1-related conditions. ClinVar contains an entry for this variant (Variation ID: 219804). Advanced modeling of protein sequence and biophysical properties (such as structural, functional, and spatial information, amino acid conservation, physicochemical variation, residue mobility, and thermodynamic stability) performed at Invitae indicates that this missense variant is not expected to disrupt BRCA1 protein function with a negative predictive value of 95%. In summary, the available evidence is currently insufficient to determine the role of this variant in disease. Therefore, it has been classified as a Variant of Uncertain Significance.

All of Us Research Program, National Institutes of Health
Classification: Uncertain significance for Breast-ovarian cancer, familial, susceptibility to, 1. Last evaluated: 2023-11-02. Review status: criteria provided, single submitter. Criteria: ACMG Guidelines, 2015. Collection method: clinical testing. Allele origin: germline. Inheritance: Autosomal dominant inheritance. Observed: 1 variant allele, 1 heterozygote.
Comment: This missense variant replaces glutamine with histidine at codon 155 of the BRCA1 protein. Computational prediction is inconclusive regarding the impact of this variant on protein structure and function (internally defined REVEL score threshold 0.5 < inconclusive < 0.7, PMID: 27666373). To our knowledge, functional studies have not been reported for this variant. This variant has been reported in a family with a low likelihood ratio for pathogenicity based on family history of log(likelihood ratio) of -0.2855282724 (PMID: 31853058). This variant has been identified in 1/251446 chromosomes in the general population by the Genome Aggregation Database (gnomAD). The available evidence is insufficient to determine the role of this variant in disease conclusively. Therefore, this variant is classified as a Variant of Uncertain Significance.

This study involves interpretation of variants in research participants for the purpose of population health screening. Participant phenotype was not available at the time of variant classification. Additional details can be found in publication PMID: 35346344, PMCID: PMC8962531

Color Diagnostics, LLC DBA Color Health
Classification: Uncertain significance for Hereditary cancer-predisposing syndrome. Last evaluated: 2023-10-18. Review status: criteria provided, single submitter. Criteria: ACMG Guidelines, 2015. Collection method: clinical testing. Allele origin: germline.
Comment: This missense variant replaces glutamine with histidine at codon 155 of the BRCA1 protein. Computational prediction is inconclusive regarding the impact of this variant on protein structure and function. To our knowledge, functional studies have not been reported for this variant. This variant has been reported in a family with a low likelihood ratio for pathogenicity based on family history of log(likelihood ratio) of -0.2855282724 (PMID: 31853058). This variant has been identified in 1/251446 chromosomes in the general population by the Genome Aggregation Database (gnomAD). The available evidence is insufficient to determine the role of this variant in disease conclusively. Therefore, this variant is classified as a Variant of Uncertain Significance.

Quest Diagnostics Nichols Institute San Juan Capistrano
Classification: Uncertain significance. Last evaluated: 2023-03-13. Review status: criteria provided, single submitter. Criteria: Quest Diagnostics criteria. Collection method: clinical testing. Allele origin: unknown.
Comment: The frequency of this variant in the general population, 0.000004 (1/251446 chromosomes), is uninformative in assessment of its pathogenicity. In the published literature, the variant has been reported in a study examining personal and/or family history of breast cancer, ovarian cancer, pancreatic cancer, and/or prostate cancer (PMID: 31853058 (2020)). One functional study observed the variant to have intermediate E3 ubiquitin ligase activity (PMID: 25823446 (2015)), however further research is needed. Analysis of this variant using bioinformatics tools for the prediction of the effect of amino acid changes on protein structure and function yielded predictions that this variant is benign. Based on the available information, we are unable to determine the clinical significance of this variant.

ARUP Laboratories, Molecular Genetics and Genomics, ARUP Laboratories
Classification: Uncertain significance. Last evaluated: 2021-07-21. Review status: criteria provided, single submitter. Criteria: ARUP Molecular Germline Variant Investigation Process 2021. Collection method: clinical testing. Allele origin: germline.
Comment: The BRCA1 c.465A>C; p.Gln155His variant (rs864622260), to our knowledge, is not reported in the medical literature but is reported in ClinVar (Variation ID: 219804). This variant is found on a single chromosome in the Genome Aggregation Database (1/251446 alleles), indicating it is not a common polymorphism. The glutamine at codon 155 is moderately conserved, and computational analyses predict that this variant is neutral (REVEL: 0.025). Due to limited information, the clinical significance of the p.Gln155His variant is uncertain at this time.

Women's Health and Genetics/Laboratory Corporation of America, LabCorp
Classification: Uncertain significance. Last evaluated: 2017-12-21. Review status: criteria provided, single submitter. Criteria: LabCorp Variant Classification Summary - May 2015. Collection method: clinical testing. Allele origin: germline.
Comment: Variant summary: The BRCA1 c.465A>C (p.Gln155His) variant involves the alteration of a non-conserved nucleotide. 4/4 in silico tools predict a benign outcome for this variant (SNPsandGO not captured due to low reliability index). This variant was found in 1/246214 control chromosomes at a frequency of 0.0000041, which does not exceed the estimated maximal expected allele frequency of a pathogenic BRCA1 variant (0.0010005). In addition, multiple clinical diagnostic laboratories/reputable databases classified this variant as uncertain significance. The variant of interest has not, to our knowledge, been reported in affected individuals via publications; nor evaluated for functional impact by in vivo/vitro studies. Because of the absence of clinical information and the lack of functional studies, the variant is classified as a variant of uncertain significance (VUS) until additional information becomes available.

GeneDx
Classification: Uncertain significance. Last evaluated: 2015-10-16. Review status: criteria provided, single submitter. Criteria: GeneDx Variant Classification (06012015). Collection method: clinical testing. Allele origin: germline. Affected: yes.
Comment: This variant is denoted BRCA1 c.465A>C at the cDNA level, p.Gln155His (Q155H) at the protein level, and results in the change of a Glutamine to a Histidine (CAA>CAC). Using alternate nomenclature, this variant would be defined as BRCA1 584A>C. This variant has not, to our knowledge, been published in the literature as being pathogenic or benign. BRCA1 Gln155His was not observed in approximately 6,500 individuals of European and African American ancestry in the NHLBI Exome Sequencing Project, indicating it is not a common benign variant in these populations. Since Glutamine and Histidine differ in some properties, this is considered a semi-conservative amino acid substitution. BRCA1 Gln155His occurs at a position that is not conserved and is located in the BRD7 (a SWI/SNF component) interaction domain (Paul 2014). In silico analyses predict that this variant is unlikely to alter protein structure or function. Based on currently available evidence, it is unclear whether BRCA1 Gln155His is pathogenic or benign.

Literature cited by the submitters: PubMed 31853058 (cited by 3 submitters); PubMed 31911673 (cited by Quest Diagnostics Nichols Institute San Juan Capistrano); PubMed 33087888 (cited by Quest Diagnostics Nichols Institute San Juan Capistrano); PubMed 32377563 (cited by Quest Diagnostics Nichols Institute San Juan Capistrano); PubMed 29203703 (cited by Quest Diagnostics Nichols Institute San Juan Capistrano); PubMed 25823446 (cited by Quest Diagnostics Nichols Institute San Juan Capistrano).